The following is an entry in ClinVar:

ClinVar aggregate classification (germline): Uncertain significance (1 of 4 stars; one submission).

gnomAD v4.1: 18 of 1,613,932 alleles (0.0011%); highest among the groups gnomAD compares: South Asian, 0.0022%; no homozygotes.

Submission:

Labcorp Genetics (formerly Invitae), Labcorp
Classification: Uncertain significance. Last evaluated: 2025-08-27. Review status: criteria provided, single submitter. Criteria: Invitae Variant Classification Sherloc (09022015). Collection method: clinical testing. Allele origin: germline.
Comment: This sequence change replaces proline, which is neutral and non-polar, with leucine, which is neutral and non-polar, at codon 4181 of the DNAH9 protein (p.Pro4181Leu). This variant is present in population databases (no rsID available, gnomAD 0.0009%). This variant has not been reported in the literature in individuals affected with DNAH9-related conditions. Invitae Evidence Modeling of protein sequence and biophysical properties (such as structural, functional, and spatial information, amino acid conservation, physicochemical variation, residue mobility, and thermodynamic stability) indicates that this missense variant is not expected to disrupt DNAH9 protein function with a negative predictive value of 80%. In summary, the available evidence is currently insufficient to determine the role of this variant in disease. Therefore, it has been classified as a Variant of Uncertain Significance.

NM_001372.4(DNAH9):c.12542C>T (p.Pro4181Leu)

Gene: DNAH9 (dynein axonemal heavy chain 9; plus strand). Cytogenetic location: 17p12.
Variant type: single nucleotide variant.
Coding change: c.12542C>T on transcript NM_001372.4 (MANE Select); coding-DNA position 12542, C replaced by T.
Protein change: p.Pro4181Leu; replaces proline 4181 with leucine.
Molecular consequence: missense variant.
Genome position (GRCh38, 1-based): chr17:11,937,404, C>T. VCF-style: chr17-11937404-C-T. GRCh37 (hg19) VCF-style: chr17-11840721-C-T.
Other names: c.1478C>T, p.Pro493Leu (NM_004662.2); short protein forms P4181L, P493L.
Identifiers: ClinVar variation 4695893 (VCV004695893.1).